The following is an entry in ClinVar:

ClinVar aggregate classification (germline): not provided (0 of 4 stars; one submission).

Allele frequency attached by ClinVar (database versions not stated): ExAC 0.00003; gnomAD exomes 0.00003; TOPMed 0.00003; gnomAD 0.00004 and 0.00007; 1000 Genomes Project 0.00040; 1000 Genomes Project 30x 0.00047.
gnomAD v4.1: 45 of 1,589,774 alleles (0.0028%); highest among the groups gnomAD compares: East Asian, 0.018%; no homozygotes.

Submission:

Human Evolutionary Genetics, Institut Pasteur
No classification provided. Review status: no classification provided. Collection method: not provided. Allele origin: germline.
ClinVar note: Converted during submission from untested to not provided.

NM_001384950.1(NLRC5):c.4154+23C>T

Genes: NLRC5 (NLR family CARD domain containing 5; plus strand), LOC126862362 (BRD4-independent group 4 enhancer GRCh37_chr16:57095254-57096453; plus strand). Cytogenetic location: 16q13.
Variant type: single nucleotide variant.
Coding change: c.4154+23C>T on transcript NM_001384950.1 (MANE Select); 23 bases into the intron after coding-DNA position 4154, C replaced by T.
Molecular consequence: intron variant.
Genome position (GRCh38, 1-based): chr16:57,061,724, C>T. VCF-style: chr16-57061724-C-T. GRCh37 (hg19) VCF-style: chr16-57095636-C-T.
Other names: c.4070+23C>T (NM_001384954.1, NM_001384965.1); c.4151+23C>T (NM_001384953.1, NM_001384957.1, NM_001384952.1 and 3 more transcripts); c.4067+23C>T (NM_001384956.1, NM_001384951.1, NM_001330552.2 and 2 more transcripts); c.3977+23C>T (NM_001384959.1, NM_001384960.1); c.4154+23C>T (NM_032206.5, NM_001384955.1, NM_001384969.1 and 2 more transcripts); c.3980+23C>T (NM_001384958.1); c.4064+23C>T (NM_001384967.1); c.4061+23C>T (NM_001384968.1); and 1 more.
Identifiers: ClinVar variation 103190 (VCV000103190.2), dbSNP rs199476005, ClinGen allele CA230238.